The following is an entry in ClinVar:

NM_000038.6(APC):c.1744-2_1958+1del

Gene: APC (APC regulator of Wnt signaling pathway; plus strand). Cytogenetic location: 5q22.2.
Variant type: Deletion.
Coding change: c.1744-2_1958+1del on transcript NM_000038.6 (MANE Select); the canonical splice acceptor site of the intron before coding-DNA position 1744 through the canonical splice donor site of the intron after coding-DNA position 1958, 218 bases deleted.
Molecular consequence: splice acceptor variant, splice donor variant.
Genome position (GRCh38, 1-based): chr5:112,834,949-112,835,166, 218 bases deleted. GRCh37 (hg19): chr5:112,170,646-112,170,863.
Other names: c.1744-2_1958+1del (NM_001354895.2, NM_001127510.3); c.1774-2_1988+1del (NM_001354897.2); c.1471-2_1685+1del (NM_001354902.2); c.1690-2_1904+1del (NM_001127511.3); c.1669-2_1883+1del (NM_001354898.2); c.1366-2_1580+1del (NM_001354904.2); c.895-2_1109+1del (NM_001354906.2); c.1798-2_2012+1del (NM_001354896.2); and 5 more.
Identifiers: ClinVar variation 1049497 (VCV001049497.1), dbSNP rs2149840729, ClinGen allele CA2499217458.

ClinVar aggregate classification (germline): Pathogenic (0 of 4 stars; one submission).

Conditions:
Carcinoma of colon (CRC). Also called: Colonic carcinoma; Colon carcinoma. Identifiers: MedGen C0699790, MONDO:0002032.

Submission:

Department of Pathology and Laboratory Medicine, Sinai Health System
Classification: Pathogenic for Carcinoma of colon. Review status: no assertion criteria provided. Collection method: clinical testing. Allele origin: unknown. Affected: yes. Observed: 3 variant alleles. Study: The Canadian Open Genetics Repository (COGR).
Comment: The APC c.1744-?_1958+?del variant (chr:5 g.112170648_112170862del GRCh37) results in a deletion of exon 14, although the precise breakpoints of this deletion were not determined, nor were the effects of this variant on the resulting mRNA or protein product determined. The c.1744-?_1958+?del variant was identified in 4 of 1282 proband chromosomes (frequency: 0.003) from Czech/Slovak, European, Polish and Belgian individuals or families with classical FAP (Stekrova 2007, Sieber 2002, Plawski 2008, Michils 2005). The c.1744-?_1958+?del variant was confirmed by long-range PCR in one study (Michilis 2005). The variant was also identified in ClinVar (classified as pathogenic by Mayo Clinic Genetic Testing Laboratories), Clinvitae (1x), and Zhejiang Colon Cancer Database (1x). The variant was not identified in dbSNP, Cosmic, UMD-LSDB, the 1000 Genomes Project, the NHLBI GO Exome Sequencing Project or the Exome Aggregation Consortium (August 8th 2016). The c.1744-?_1958+?del variant is predicted to cause a frameshift, which alters the protein's amino acid sequence beginning at codon 528 and leads to a premature stop codon 20 codons downstream. This alteration is then predicted to result in a truncated or absent protein and loss of function. Loss of function variants of the APC gene are an established mechanism of disease in familial adenomatous polyposis and is the type of variant expected to cause the disorder. In summary, based on the above information this variant meets our laboratoryâ€šÃ„Ã´s criteria to be classified as pathogenic.